The following is an entry in ClinVar:

NM_005670.4(EPM2A):c.452G>A (p.Gly151Asp)

Gene: EPM2A (EPM2A glucan phosphatase, laforin; minus strand). Cytogenetic location: 6q24.3.
Variant type: single nucleotide variant.
Coding change: c.452G>A on transcript NM_005670.4 (MANE Select); coding-DNA position 452, G replaced by A.
Protein change: p.Gly151Asp; replaces glycine 151 with aspartic acid.
Molecular consequence: missense variant. On other transcripts: 5 prime UTR variant (2), non-coding transcript variant (1).
Genome position (GRCh38, 1-based): chr6:145,686,146, C>T on the plus strand (G>A on the coding strand, the complement: EPM2A is on the minus strand). VCF-style: chr6-145686146-C-T. GRCh37 (hg19) VCF-style: chr6-146007282-C-T.
Other names: c.452G>A, p.Gly151Asp (NM_001018041.2, NM_001360057.2, NM_001368130.1); c.38G>A, p.Gly13Asp (NM_001360064.2, NM_001360071.2, NM_001368131.1); c.-172G>A (NM_001368129.2, NM_001368132.1); short protein forms G151D, G13D.
Identifiers: ClinVar variation 941455 (VCV000941455.1), dbSNP rs1173939028, ClinGen allele CA366188224.

ClinVar aggregate classification (germline): Uncertain significance (1 of 4 stars; one submission).

Conditions:
Progressive myoclonic epilepsy. Also called: Myoclonic Epilepsies, Progressive; Familial progressive myoclonic epilepsy; Myoclonus epilepsy; Progressive myoclonus epilepsy. Identifiers: Orphanet 308, Orphanet 98261, MedGen C0751778, MONDO:0020074.

Allele frequency attached by ClinVar (database versions not stated): gnomAD exomes below 0.00001.
gnomAD v4.1: 3 of 1,613,780 alleles (0.00019%); highest among the groups gnomAD compares: Non-Finnish European, 0.00025%; no homozygotes.

Submission:

Labcorp Genetics (formerly Invitae), Labcorp
Classification: Uncertain significance for Progressive myoclonic epilepsy. Last evaluated: 2019-07-30. Review status: criteria provided, single submitter. Criteria: Invitae Variant Classification Sherloc (09022015). Collection method: clinical testing. Allele origin: germline.
Comment: This sequence change replaces glycine with aspartic acid at codon 151 of the EPM2A protein (p.Gly151Asp). The glycine residue is highly conserved and there is a moderate physicochemical difference between glycine and aspartic acid. This variant is not present in population databases (ExAC no frequency). This variant has not been reported in the literature in individuals with EPM2A-related conditions. Algorithms developed to predict the effect of missense changes on protein structure and function are either unavailable or do not agree on the potential impact of this missense change (SIFT: "Deleterious"; PolyPhen-2: "Benign"; Align-GVGD: "Class C0"). In summary, the available evidence is currently insufficient to determine the role of this variant in disease. Therefore, it has been classified as a Variant of Uncertain Significance.